The following is an entry in ClinVar:

NM_016239.4(MYO15A):c.5183T>C (p.Leu1728Pro)

Gene: MYO15A (myosin XVA; plus strand). Cytogenetic location: 17p11.2.
Variant type: single nucleotide variant.
Coding change: c.5183T>C on transcript NM_016239.4 (MANE Select); coding-DNA position 5183, T replaced by C.
Protein change: p.Leu1728Pro; replaces leucine 1728 with proline.
Molecular consequence: missense variant.
Genome position (GRCh38, 1-based): chr17:18,139,583, T>C. VCF-style: chr17-18139583-T-C. GRCh37 (hg19) VCF-style: chr17-18042897-T-C.
Other names: short protein forms L1728P.
Identifiers: ClinVar variation 3026519 (VCV003026519.22), dbSNP rs2545249902, ClinGen allele CA398599274.

ClinVar aggregate classification (germline): Uncertain significance (1 of 4 stars; one submission).

Submission:

CeGaT Center for Human Genetics Tuebingen
Classification: Uncertain significance. Last evaluated: 2024-01-01. Review status: criteria provided, single submitter. Criteria: CeGaT Center For Human Genetics Tuebingen Variant Classification Criteria Version 2. Collection method: clinical testing. Allele origin: germline. Affected: yes. Observed: 1 variant allele.
Comment: MYO15A: PM2, PP3